The following is an entry in ClinVar:

ClinVar aggregate classification (germline): Uncertain significance. Review status: criteria provided, multiple submitters, no conflicts (2 of 4 stars). 2 submissions from 2 submitters: Uncertain significance (2). Last evaluated 2025-07-01.

Conditions:
Inborn genetic diseases. Identifiers: MedGen C0950123, MeSH D030342.

gnomAD v4.1: 5 of 1,613,808 alleles (0.00031%); highest among the groups gnomAD compares: East Asian, 0.0045%; no homozygotes.

Submissions (2):

Ambry Genetics
Classification: Uncertain significance for Inborn genetic diseases. Last evaluated: 2025-07-01. Review status: criteria provided, single submitter. Criteria: Ambry Variant Classification Scheme 2023. Collection method: clinical testing. Allele origin: germline.

Labcorp Genetics (formerly Invitae), Labcorp
Classification: Uncertain significance. Last evaluated: 2022-09-07. Review status: criteria provided, single submitter. Criteria: Invitae Variant Classification Sherloc (09022015). Collection method: clinical testing. Allele origin: germline.
Comment: This sequence change replaces leucine, which is neutral and non-polar, with phenylalanine, which is neutral and non-polar, at codon 306 of the DONSON protein (p.Leu306Phe). In summary, the available evidence is currently insufficient to determine the role of this variant in disease. Therefore, it has been classified as a Variant of Uncertain Significance. Algorithms developed to predict the effect of missense changes on protein structure and function (SIFT, PolyPhen-2, Align-GVGD) all suggest that this variant is likely to be tolerated. ClinVar contains an entry for this variant (Variation ID: 1502855). This variant has not been reported in the literature in individuals affected with DONSON-related conditions. This variant is present in population databases (rs756425637, gnomAD 0.01%).

NM_017613.4(DONSON):c.916C>T (p.Leu306Phe)

Gene: DONSON (DNA replication fork stabilization factor DONSON; minus strand). Cytogenetic location: 21q22.11.
Variant type: single nucleotide variant.
Coding change: c.916C>T on transcript NM_017613.4 (MANE Select); coding-DNA position 916, C replaced by T.
Protein change: p.Leu306Phe; replaces leucine 306 with phenylalanine.
Molecular consequence: missense variant.
Genome position (GRCh38, 1-based): chr21:33,583,536, G>A on the plus strand (C>T on the coding strand, the complement: DONSON is on the minus strand). VCF-style: chr21-33583536-G-A. GRCh37 (hg19) VCF-style: chr21-34955842-G-A.
Other names: c.916C>T (NM_017613.2); short protein forms L306F.
Identifiers: ClinVar variation 1502855 (VCV001502855.7), dbSNP rs756425637, ClinGen allele CA10010478.